The following is an entry in ClinVar:

ClinVar aggregate classification (germline): Pathogenic (1 of 4 stars; one submission).

Conditions:
Fetal akinesia deformation sequence 1 (FADS1). Also called: Pena-Shokeir syndrome type I; Fetal akinesia sequence. Identifiers: Orphanet 994, MedGen C1276035, MONDO:0100101, OMIM 208150, HP:0001989.
Congenital myasthenic syndrome 9. Also called: Myasthenic syndrome, congenital, 9, associated with acetylcholine receptor deficiency. Identifiers: Orphanet 590, MedGen C4225368, MONDO:0014587, OMIM 616325.

Submission:

Labcorp Genetics (formerly Invitae), Labcorp
Classification: Pathogenic for Congenital myasthenic syndrome 9; Fetal akinesia deformation sequence 1. Last evaluated: 2023-12-04. Review status: criteria provided, single submitter. Criteria: Invitae Variant Classification Sherloc (09022015). Collection method: clinical testing. Allele origin: germline.
Comment: This sequence change creates a premature translational stop signal (p.Ile283Metfs*6) in the MUSK gene. It is expected to result in an absent or disrupted protein product. Loss-of-function variants in MUSK are known to be pathogenic (PMID: 8653786, 25612909, 25695962, 25900532). This variant is present in population databases (no rsID available, gnomAD 0.007%). This variant has not been reported in the literature in individuals affected with MUSK-related conditions. For these reasons, this variant has been classified as Pathogenic.

Literature cited by the submitters: PubMed 8653786; PubMed 25612909; PubMed 25695962; PubMed 25900532.

NM_005592.4(MUSK):c.845_848dup (p.Ile283fs)

Gene: MUSK (muscle associated receptor tyrosine kinase; plus strand). Cytogenetic location: 9q31.3.
Variant type: Duplication.
Coding change: c.845_848dup on transcript NM_005592.4 (MANE Select); coding-DNA positions 845 to 848, 4 bases duplicated (GCAT; older notation c.845_848dupGCAT).
Protein change: p.Ile283fs; shifts the reading frame from isoleucine 283.
Molecular consequence: frameshift variant. On other transcripts: 5 prime UTR variant (1).
Genome position (GRCh38, 1-based): chr9:110,747,732-110,747,735, GCAT duplicated; duplicating any 4 consecutive bases within chr9:110,747,729-110,747,735 gives the same sequence; the c. name uses the placement nearest the transcript's 3' end. VCF-style (leftmost placement, unchanged base first): chr9-110747728-A-ACATG. GRCh37 (hg19) VCF-style: chr9-113510008-A-ACATG.
Other names: c.875_878dup, p.Ile293fs (NM_001166280.2); c.845_848dup, p.Ile283fs (NM_001166281.2); c.-392_-389dup (NM_001369398.1); short protein forms I293fs, I283fs.
Identifiers: ClinVar variation 2930356 (VCV002930356.3), dbSNP rs922887919, ClinGen allele CA198354569.